The following is an entry in ClinVar:

NM_001734.5(C1S):c.83A>C (p.Tyr28Ser)

Gene: C1S (complement C1s; plus strand). Cytogenetic location: 12p13.31.
Variant type: single nucleotide variant.
Coding change: c.83A>C on transcript NM_001734.5 (MANE Select); coding-DNA position 83, A replaced by C.
Protein change: p.Tyr28Ser; replaces tyrosine 28 with serine.
Molecular consequence: missense variant. On other transcripts: intron variant (1).
Genome position (GRCh38, 1-based): chr12:7,062,552, A>C. VCF-style: chr12-7062552-A-C. GRCh37 (hg19) VCF-style: chr12-7169856-A-C.
Other names: c.83A>C, p.Tyr28Ser (NM_201442.4); c.-288-338A>C (NM_001346850.2); short protein forms Y28S.
Identifiers: ClinVar variation 1944452 (VCV001944452.7), dbSNP rs1555161407, ClinGen allele CA383687809.

ClinVar aggregate classification (germline): Uncertain significance. Review status: criteria provided, multiple submitters, no conflicts (2 of 4 stars). 3 submissions from 3 submitters: Uncertain significance (3). Last evaluated 2025-11-05.

Allele frequency attached by ClinVar (database versions not stated): TOPMed below 0.00001; gnomAD 0.00001; gnomAD exomes 0.00001.
gnomAD v4.1: 5 of 1,613,738 alleles (0.00031%); highest among the groups gnomAD compares: Non-Finnish European, 0.00042%; no homozygotes.

Submissions (3):

Women's Health and Genetics/Laboratory Corporation of America, LabCorp
Classification: Uncertain significance. Last evaluated: 2025-11-05. Review status: criteria provided, single submitter. Criteria: LabCorp Variant Classification Summary - May 2015. Collection method: clinical testing. Allele origin: germline.
Comment: Variant summary: C1S c.83A>C (p.Tyr28Ser) results in a non-conservative amino acid change in the encoded protein sequence. Algorithms developed to predict the effect of missense changes on protein structure and function are either unavailable or do not agree on the potential impact of this missense change. The variant allele was found at a frequency of 4e-06 in 251468 control chromosomes. The available data on variant occurrences in the general population are insufficient to allow any conclusion about variant significance. To our knowledge, no occurrence of c.83A>C in individuals affected with C1S-related conditions and no experimental evidence demonstrating its impact on protein function have been reported. ClinVar contains an entry for this variant (Variation ID: 1944452). Based on the evidence outlined above, the variant was classified as uncertain significance.

Labcorp Genetics (formerly Invitae), Labcorp
Classification: Uncertain significance. Last evaluated: 2023-06-25. Review status: criteria provided, single submitter. Criteria: Invitae Variant Classification Sherloc (09022015). Collection method: clinical testing. Allele origin: germline.
Comment: This sequence change replaces tyrosine, which is neutral and polar, with serine, which is neutral and polar, at codon 28 of the C1S protein (p.Tyr28Ser). This variant is present in population databases (no rsID available, gnomAD 0.002%). This variant has not been reported in the literature in individuals affected with C1S-related conditions. ClinVar contains an entry for this variant (Variation ID: 1944452). An algorithm developed to predict the effect of missense changes on protein structure and function (PolyPhen-2) suggests that this variant is likely to be disruptive. In summary, the available evidence is currently insufficient to determine the role of this variant in disease. Therefore, it has been classified as a Variant of Uncertain Significance.

Blueprint Genetics
Classification: Uncertain significance. Last evaluated: 2021-06-16. Review status: criteria provided, single submitter. Criteria: ACMG Guidelines, 2015. Collection method: clinical testing. Allele origin: germline.